The following is an entry in ClinVar:

NM_001005242.3(PKP2):c.983dup (p.Ser329fs)

Gene: PKP2 (plakophilin 2; minus strand). Cytogenetic location: 12p11.21.
Variant type: Duplication.
Coding change: c.983dup on transcript NM_001005242.3 (MANE Select); coding-DNA position 983, one base duplicated (G; older notation c.983dupG).
Protein change: p.Ser329fs; shifts the reading frame from serine 329.
Molecular consequence: frameshift variant.
Genome position (GRCh38, 1-based): chr12:32,877,897, C duplicated on the plus strand (G on the coding strand, the reverse complement: PKP2 is on the minus strand); the first of 5 consecutive C bases (chr12:32,877,897-32,877,901); duplicating any one gives the same sequence. VCF-style (leftmost placement, unchanged base first): chr12-32877896-T-TC. GRCh37 (hg19) VCF-style: chr12-33030830-T-TC.
Other names: c.983dup, p.Ser329fs (NM_004572.4); c.979dup (NM_004572.3); short protein forms S329fs.
Identifiers: ClinVar variation 191581 (VCV000191581.3), dbSNP rs786205353, ClinGen allele CA274798.

ClinVar aggregate classification (germline): Pathogenic/Likely pathogenic. Review status: criteria provided, multiple submitters, no conflicts (2 of 4 stars). 2 submissions from 2 submitters: Pathogenic (1); Likely pathogenic (1). Last evaluated 2025-04-11.

Conditions:
Arrhythmogenic right ventricular cardiomyopathy (ARVD). Also called: Arrhythmogenic cardiomyopathy; Arrhythmogenic Right Ventricular Cardiomyopathy (ARVC); Cardiomyopathy, ARVC; Arrhythmogenic right ventricular dysplasia. Identifiers: Orphanet 247, MedGen C0349788, MeSH D019571, MONDO:0016587. Disease mechanism: loss of function. Inheritance: Various modes of inheritance.
Arrhythmogenic right ventricular dysplasia 9 (ARVD9). Also called: Arrhythmogenic Right Ventricular Dysplasia/Cardiomyopathy 9; ARRHYTHMOGENIC RIGHT VENTRICULAR DYSPLASIA, FAMILIAL, 9. Identifiers: MedGen C1836906, MONDO:0012180, OMIM 609040.

Submissions (2):

Labcorp Genetics (formerly Invitae), Labcorp
Classification: Pathogenic for Arrhythmogenic right ventricular dysplasia 9. Last evaluated: 2025-04-11. Review status: criteria provided, single submitter. Criteria: Invitae Variant Classification Sherloc (09022015). Collection method: clinical testing. Allele origin: germline.
Comment: This sequence change creates a premature translational stop signal (p.Ser329Lysfs*7) in the PKP2 gene. It is expected to result in an absent or disrupted protein product. Loss-of-function variants in PKP2 are known to be pathogenic (PMID: 15489853, 17041889, 23911551). This variant is not present in population databases (gnomAD no frequency). This premature translational stop signal has been observed in individual(s) with PKP2-related conditions (PMID: 23861362). This variant is also known as c.979dup. ClinVar contains an entry for this variant (Variation ID: 191581). For these reasons, this variant has been classified as Pathogenic.

Biesecker Lab/Clinical Genomics Section, National Institutes of Health
Classification: Likely pathogenic for Cardiomyopathy, right ventricular arrhythmogenic. Last evaluated: 2013-06-24. Review status: criteria provided, single submitter. Criteria: Ng et al. (Circ Cardiovasc Genet. 2013). Collection method: research. Allele origin: unknown. Affected: no. Observed: 1 variant allele. Study: ClinSeq.
Comment: The study set was not selected for affection status in relation to any cancer. Pathogenicity categories were based on literature curation. See Pubmed ID:23861362 for details.

Medical sequencing

Literature cited by the submitters: PubMed 15489853 (cited by Labcorp Genetics (formerly Invitae), Labcorp); PubMed 17041889 (cited by Labcorp Genetics (formerly Invitae), Labcorp); PubMed 23911551 (cited by Labcorp Genetics (formerly Invitae), Labcorp); PubMed 23861362 (cited by Labcorp Genetics (formerly Invitae), Labcorp).